The following is an entry in ClinVar:

ClinVar aggregate classification (germline): Uncertain significance (1 of 4 stars; one submission).

Submission:

GeneDx
Classification: Uncertain significance. Last evaluated: 2025-01-15. Review status: criteria provided, single submitter. Criteria: GeneDx Variant Classification Process June 2021. Collection method: clinical testing. Allele origin: germline. Affected: yes.
Comment: Not observed at significant frequency in large population cohorts (gnomAD); In silico analysis supports that this missense variant has a deleterious effect on protein structure/function; Has not been previously published as pathogenic or benign to our knowledge

NM_032590.5(KDM2B):c.3179G>T (p.Gly1060Val)

Gene: KDM2B (lysine demethylase 2B; minus strand). Cytogenetic location: 12q24.31.
Variant type: single nucleotide variant.
Coding change: c.3179G>T on transcript NM_032590.5 (MANE Select); coding-DNA position 3179, G replaced by T.
Protein change: p.Gly1060Val; replaces glycine 1060 with valine.
Molecular consequence: missense variant.
Genome position (GRCh38, 1-based): chr12:121,442,262, C>A on the plus strand (G>T on the coding strand, the complement: KDM2B is on the minus strand). VCF-style: chr12-121442262-C-A. GRCh37 (hg19) VCF-style: chr12-121880065-C-A.
Other names: c.2972G>T, p.Gly991Val (NM_001005366.2); short protein forms G1060V, G991V.
Identifiers: ClinVar variation 4070768 (VCV004070768.1).